The following is an entry in ClinVar:

NM_000093.5(COL5A1):c.1474G>A (p.Val492Ile)

Gene: COL5A1 (collagen type V alpha 1 chain; plus strand). Cytogenetic location: 9q34.3.
Variant type: single nucleotide variant.
Coding change: c.1474G>A on transcript NM_000093.5 (MANE Select); coding-DNA position 1474, G replaced by A.
Protein change: p.Val492Ile; replaces valine 492 with isoleucine.
Molecular consequence: missense variant.
Genome position (GRCh38, 1-based): chr9:134,738,788, G>A. VCF-style: chr9-134738788-G-A. GRCh37 (hg19) VCF-style: chr9-137630634-G-A.
Other names: c.1474G>A, p.Val492Ile (NM_001278074.1); short protein forms V492I.
Identifiers: ClinVar variation 3391758 (VCV003391758.1).

ClinVar aggregate classification (germline): Uncertain significance (1 of 4 stars; one submission).

Submission:

GeneDx
Classification: Uncertain significance. Last evaluated: 2024-06-18. Review status: criteria provided, single submitter. Criteria: GeneDx Variant Classification Process June 2021. Collection method: clinical testing. Allele origin: germline. Affected: yes.
Comment: Not observed at significant frequency in large population cohorts (gnomAD); In silico analysis indicates that this missense variant does not alter protein structure/function; Has not been previously published as pathogenic or benign to our knowledge; Not located in the triple helical region, where the majority of pathogenic missense variants occur (PMID: 22696272; HGMD); This variant is associated with the following publications: (PMID: 22696272)